The following is an entry in ClinVar:

ClinVar aggregate classification (germline): Conflicting classifications of pathogenicity. Review status: criteria provided, conflicting classifications (1 of 4 stars). 3 submissions from 3 submitters: Uncertain significance (1); Likely benign (2). Last evaluated 2024-10-07.

Conditions:
Hereditary cancer-predisposing syndrome. Also called: Tumor predisposition; Neoplastic Syndromes, Hereditary; Hereditary Cancer Syndrome; Hereditary neoplastic syndrome. Identifiers: Orphanet 140162, MedGen C0027672, MeSH D009386, MONDO:0015356.
Hereditary diffuse gastric adenocarcinoma (HDGC). Also called: DIFFUSE GASTRIC AND LOBULAR BREAST CANCER SYNDROME. Identifiers: Orphanet 26106, MedGen C1708349, MONDO:0007648, OMIM 137215.

Submissions (3):

Labcorp Genetics (formerly Invitae), Labcorp
Classification: Uncertain significance for Hereditary diffuse gastric adenocarcinoma. Last evaluated: 2024-10-07. Review status: criteria provided, single submitter. Criteria: Invitae Variant Classification Sherloc (09022015). Collection method: clinical testing. Allele origin: germline.
Comment: This sequence change falls in intron 1 of the CDH1 gene. It does not directly change the encoded amino acid sequence of the CDH1 protein. It affects a nucleotide within the consensus splice site. Information on the frequency of this variant in the gnomAD database is not available, as this variant may be reported differently in the database. This variant has not been reported in the literature in individuals affected with CDH1-related conditions. ClinVar contains an entry for this variant (Variation ID: 491540). Variants that disrupt the consensus splice site are a relatively common cause of aberrant splicing (PMID: 17576681, 9536098). In summary, the available evidence is currently insufficient to determine the role of this variant in disease. Therefore, it has been classified as a Variant of Uncertain Significance.

Ambry Genetics
Classification: Likely benign for Hereditary cancer-predisposing syndrome. Last evaluated: 2023-03-09. Review status: criteria provided, single submitter. Criteria: Ambry Variant Classification Scheme 2023. Collection method: clinical testing. Allele origin: germline.

Color Diagnostics, LLC DBA Color Health
Classification: Likely benign for Hereditary cancer-predisposing syndrome. Last evaluated: 2016-10-09. Review status: criteria provided, single submitter. Criteria: ACMG Guidelines, 2015. Collection method: clinical testing. Allele origin: germline.

Literature cited by the submitters: PubMed 17576681 (cited by Labcorp Genetics (formerly Invitae), Labcorp); PubMed 9536098 (cited by Labcorp Genetics (formerly Invitae), Labcorp).

NM_004360.5(CDH1):c.48+5_48+6delinsTT

Gene: CDH1 (cadherin 1; plus strand). Cytogenetic location: 16q22.1.
Variant type: Indel.
Coding change: c.48+5_48+6delinsTT on transcript NM_004360.5 (MANE Select); bases 5 to 6 of the intron after coding-DNA position 48, CC replaced by TT.
Molecular consequence: intron variant.
Genome position (GRCh38, 1-based): chr16:68,737,468-68,737,469, CC replaced by TT. VCF-style: chr16-68737468-CC-TT. GRCh37 (hg19) VCF-style: chr16-68771371-CC-TT.
Other names: c.48+5_48+6delCCinsTT (LRG_301t1); c.-1568+5_-1568+6delinsTT (NM_001317185.2); c.-1772+5_-1772+6delinsTT (NM_001317186.2); c.48+5_48+6delinsTT (NM_001317184.2).
Identifiers: ClinVar variation 491540 (VCV000491540.10), dbSNP rs1555509656, ClinGen allele CA658683939.